The following is an entry in ClinVar:

ClinVar aggregate classification (germline): Uncertain significance. Review status: criteria provided, multiple submitters, no conflicts (2 of 4 stars). 2 submissions from 2 submitters: Uncertain significance (2). Last evaluated 2024-06-01.

Conditions:
Joubert syndrome. Also called: JOUBERT-BOLTSHAUSER SYNDROME; Familial aplasia of the vermis. Identifiers: Orphanet 475, MedGen C5979921, MONDO:0018772.
Meckel-Gruber syndrome. Also called: Dysencephalia splachnocystica; DYSENCEPHALIA SPLANCHNOCYSTICA; GRUBER SYNDROME. Identifiers: Orphanet 564, MedGen C0265215, MONDO:0018921.

Submissions (2):

CeGaT Center for Human Genetics Tuebingen
Classification: Uncertain significance. Last evaluated: 2024-06-01. Review status: criteria provided, single submitter. Criteria: CeGaT Center For Human Genetics Tuebingen Variant Classification Criteria Version 2. Collection method: clinical testing. Allele origin: germline. Affected: yes. Observed: 1 variant allele.
Comment: RPGRIP1L: PM2, BP4

Labcorp Genetics (formerly Invitae), Labcorp
Classification: Uncertain significance for Joubert syndrome; Meckel-Gruber syndrome. Last evaluated: 2022-07-26. Review status: criteria provided, single submitter. Criteria: Invitae Variant Classification Sherloc (09022015). Collection method: clinical testing. Allele origin: germline.
Comment: Algorithms developed to predict the effect of missense changes on protein structure and function (SIFT, PolyPhen-2, Align-GVGD) all suggest that this variant is likely to be tolerated. ClinVar contains an entry for this variant (Variation ID: 1063439). This variant has not been reported in the literature in individuals affected with RPGRIP1L-related conditions. This variant is not present in population databases (gnomAD no frequency). This sequence change replaces histidine, which is basic and polar, with asparagine, which is neutral and polar, at codon 58 of the RPGRIP1L protein (p.His58Asn). In summary, the available evidence is currently insufficient to determine the role of this variant in disease. Therefore, it has been classified as a Variant of Uncertain Significance.

NM_015272.5(RPGRIP1L):c.172C>A (p.His58Asn)

Gene: RPGRIP1L (RPGRIP1 like; minus strand). Cytogenetic location: 16q12.2.
Variant type: single nucleotide variant.
Coding change: c.172C>A on transcript NM_015272.5 (MANE Select); coding-DNA position 172, C replaced by A.
Protein change: p.His58Asn; replaces histidine 58 with asparagine.
Molecular consequence: missense variant.
Genome position (GRCh38, 1-based): chr16:53,696,209, G>T on the plus strand (C>A on the coding strand, the complement: RPGRIP1L is on the minus strand). VCF-style: chr16-53696209-G-T. GRCh37 (hg19) VCF-style: chr16-53730121-G-T.
Other names: c.172C>A, p.His58Asn (NM_001127897.4, NM_001308334.3, NM_001328422.2 and 2 more transcripts); short protein forms H58N.
Identifiers: ClinVar variation 1063439 (VCV001063439.27), dbSNP rs2151379355, ClinGen allele CA395925932.
Genomic context (GRCh38, chr16:53,696,209, plus strand): 5'-ACCTTTTAATTTTATCCTCCTGCTTGCGGGCATGCTGTTTAAGTAAAATGTTCTCATCAT[G>T]CAAACGCAAAAATCTGTCTTCCAGTTCCTCACGACTGACACGTGACACTGCCTGGCGAGA-3'
Protein context (NP_056087.2, residues 48-68): EELEDRFLRL[His58Asn]DENILLKQHA